The following is an entry in ClinVar:

ClinVar aggregate classification (germline): Uncertain significance (1 of 4 stars; one submission).

Conditions:
Pseudo-Hurler polydystrophy. Also called: MUCOLIPIDOSIS IIIA; ML III; ML III ALPHA/BETA; Type III Mucolipidosis; ML IIIA; Mucolipidosis III Alpha/Beta. Identifiers: Orphanet 423461, Orphanet 577, MedGen C0033788, MONDO:0018931, OMIM 252600.
Mucolipidosis type II. Also called: Mucolipidosis II Alpha/Beta; ML II ALPHA/BETA; Mucolipidosis 2; ML 2; Inclusion cell disease; Leroy Disease. Identifiers: Orphanet 576, MedGen C2673377, MONDO:0009650, OMIM 252500.

Submission:

Labcorp Genetics (formerly Invitae), Labcorp
Classification: Uncertain significance for Pseudo-Hurler polydystrophy; Mucolipidosis type II. Last evaluated: 2022-01-15. Review status: criteria provided, single submitter. Criteria: Invitae Variant Classification Sherloc (09022015). Collection method: clinical testing. Allele origin: germline.
Comment: This sequence change replaces isoleucine, which is neutral and non-polar, with valine, which is neutral and non-polar, at codon 1239 of the GNPTAB protein (p.Ile1239Val). This variant is not present in population databases (gnomAD no frequency). This variant has not been reported in the literature in individuals affected with GNPTAB-related conditions. Advanced modeling of protein sequence and biophysical properties (such as structural, functional, and spatial information, amino acid conservation, physicochemical variation, residue mobility, and thermodynamic stability) performed at Invitae indicates that this missense variant is not expected to disrupt GNPTAB protein function. Algorithms developed to predict the effect of sequence changes on RNA splicing suggest that this variant may create or strengthen a splice site. In summary, the available evidence is currently insufficient to determine the role of this variant in disease. Therefore, it has been classified as a Variant of Uncertain Significance.

NM_024312.5(GNPTAB):c.3715A>G (p.Ile1239Val)

Gene: GNPTAB (N-acetylglucosamine-1-phosphate transferase subunits alpha and beta; minus strand). Cytogenetic location: 12q23.2.
Variant type: single nucleotide variant.
Coding change: c.3715A>G on transcript NM_024312.5 (MANE Select); coding-DNA position 3715, A replaced by G.
Protein change: p.Ile1239Val; replaces isoleucine 1239 with valine.
Molecular consequence: missense variant.
Genome position (GRCh38, 1-based): chr12:101,747,220, T>C on the plus strand (A>G on the coding strand, the complement: GNPTAB is on the minus strand). VCF-style: chr12-101747220-T-C. GRCh37 (hg19) VCF-style: chr12-102140998-T-C.
Other names: short protein forms I1239V.
Identifiers: ClinVar variation 2083722 (VCV002083722.1), dbSNP rs2547947128, ClinGen allele CA386291435.